The following is an entry in ClinVar:

ClinVar aggregate classification (germline): Uncertain significance. Review status: criteria provided, multiple submitters, no conflicts (2 of 4 stars). 2 submissions from 2 submitters: Uncertain significance (2). Last evaluated 2021-05-08.

Conditions:
Surfactant metabolism dysfunction, pulmonary, 4 (SMDP4). Also called: CSF2RA DEFICIENCY; PAP DUE TO CSF2RA DEFICIENCY; PULMONARY ALVEOLAR PROTEINOSIS, CONGENITAL, 4. Identifiers: Orphanet 264675, MedGen C2677877, MONDO:0010424, OMIM 300770.

Allele frequency attached by ClinVar (database versions not stated): gnomAD exomes 0.00002; ExAC 0.00003.

Submissions (2):

Labcorp Genetics (formerly Invitae), Labcorp
Classification: Uncertain significance for Surfactant metabolism dysfunction, pulmonary, 4. Last evaluated: 2021-05-08. Review status: criteria provided, single submitter. Criteria: Invitae Variant Classification Sherloc (09022015). Collection method: clinical testing. Allele origin: germline.
Comment: In summary, the available evidence is currently insufficient to determine the role of this variant in disease. Therefore, it has been classified as a Variant of Uncertain Significance. Algorithms developed to predict the effect of missense changes on protein structure and function are either unavailable or do not agree on the potential impact of this missense change (SIFT: "Deleterious"; PolyPhen-2: "Benign"; Align-GVGD: "Class C0"). This variant has not been reported in the literature in individuals with CSF2RA-related conditions. This variant is present in population databases (no rsID available, ExAC 0.006%). This sequence change replaces threonine with methionine at codon 266 of the CSF2RA protein (p.Thr266Met). The threonine residue is weakly conserved and there is a moderate physicochemical difference between threonine and methionine.

Blueprint Genetics
Classification: Uncertain significance. Last evaluated: 2019-10-14. Review status: criteria provided, single submitter. Criteria: ACMG Guidelines, 2015. Collection method: clinical testing. Allele origin: germline.

NM_172245.4(CSF2RA):c.797C>T (p.Thr266Met)

Gene: CSF2RA (colony stimulating factor 2 receptor subunit alpha; plus strand). Cytogenetic location: Yp11.2.
Variant type: single nucleotide variant.
Coding change: c.797C>T on transcript NM_172245.4 (MANE Select); coding-DNA position 797, C replaced by T.
Protein change: p.Thr266Met; replaces threonine 266 with methionine.
Molecular consequence: missense variant. On other transcripts: non-coding transcript variant (1), intron variant (2).
Genome position (GRCh38, 1-based): chrX:1,295,443, C>T. VCF-style: chrX-1295443-C-T. GRCh37 (hg19) VCF-style: chrX-1414336-C-T.
Other names: c.797C>T, p.Thr266Met (NM_001161529.2, NM_001161530.2, NM_001161531.2 and 17 more transcripts); c.398C>T, p.Thr133Met (NM_001161532.2); c.778C>T, p.Arg260Trp (NM_001379166.1); c.646+4934C>T (NM_172249.4); c.780+982C>T (NM_001379160.1); short protein forms T133M, R260W, T266M.
Identifiers: ClinVar variation 1422223 (VCV001422223.7), dbSNP rs760548109, ClinGen allele CA10331014.